The following is an entry in ClinVar:

NM_016059.5(PPIL1):c.133C>T (p.Arg45Ter)

Gene: PPIL1 (peptidylprolyl isomerase like 1; minus strand). Cytogenetic location: 6p21.2.
Variant type: single nucleotide variant.
Coding change: c.133C>T on transcript NM_016059.5 (MANE Select); coding-DNA position 133, C replaced by T.
Protein change: p.Arg45Ter; replaces arginine 45 with a stop codon.
Molecular consequence: nonsense.
Genome position (GRCh38, 1-based): chr6:36,871,796, G>A on the plus strand (C>T on the coding strand, the complement: PPIL1 is on the minus strand). VCF-style: chr6-36871796-G-A. GRCh37 (hg19) VCF-style: chr6-36839572-G-A.
Other names: short protein forms R45*.
Identifiers: ClinVar variation 929944 (VCV000929944.6), dbSNP rs1774516234, ClinGen allele CA363846874.

ClinVar aggregate classification (germline): Likely pathogenic. Review status: criteria provided, single submitter (1 of 4 stars). 3 submissions from 3 submitters: Likely pathogenic (1). 2 of the submissions do not count toward it. Last evaluated 2019-05-02.

Conditions:
Neurodevelopmental disorder. Identifiers: MedGen C1535926, MeSH D065886, MONDO:0700092.
Congenital pontocerebellar hypoplasia. Identifiers: MedGen C0266468, MeSH C580383.
Pontocerebellar hypoplasia, type 14. Identifiers: Orphanet 613274, MedGen C5543322, MONDO:0030258, OMIM 619301.

Allele frequency attached by ClinVar (database versions not stated): gnomAD exomes below 0.00001; gnomAD 0.00001.
gnomAD v4.1: 3 of 1,611,426 alleles (0.00019%); highest among the groups gnomAD compares: Admixed American, 0.0017%; no homozygotes.

Submissions (3):

Laboratory for Molecular Medicine, Mass General Brigham Personalized Medicine
Classification: Likely pathogenic for Neurodevelopmental disorder. Last evaluated: 2019-05-02. Review status: criteria provided, single submitter. Criteria: LMM Criteria. Collection method: clinical testing. Allele origin: germline. Inheritance: Autosomal recessive inheritance. Observed: 3 variant alleles.
Comment: The p.Arg45X variant in PPIL1 has not been previously reported in individuals with disease and is absent from large population studies. However, this variant was present in compound heterozygous state in two siblings with profound global developmental delays, microcephaly, intractable seizures, hypotonia, structural brain abnormalities, hypoplasia of the corpus callosum, and cortical vision impairment by the Broad Institute Rare Genomes Project. This nonsense variant leads to a premature termination codon at position 45, which is predicted to lead to a truncated or absent protein. Currently, there is moderate evidence to support an association between PPIL1 and a severe neurodevelopmental phenotype. In summary, there is good evidence that the p.Arg45X variant disrupts function of the PPIL1 gene; however, given the early stage of association of PPIL1 with disease, the variant is classified as likely pathogenic. ACMG/AMP Criteria applied: PVS1, PM2.

OMIM
Classification: Pathogenic for PONTOCEREBELLAR HYPOPLASIA, TYPE 14. Last evaluated: 2021-04-29. Review status: no assertion criteria provided. Collection method: literature only. Allele origin: germline. Not counted in ClinVar's aggregate classification.

Yale Center for Mendelian Genomics, Yale University
Classification: Likely pathogenic for Congenital pontocerebellar hypoplasia. Last evaluated: 2021-01-20. Review status: no assertion criteria provided. Collection method: literature only. Allele origin: germline. Affected: yes. Observed: 2 compound heterozygotes. Study: Yale Center for Mendelian Genomics. Not counted in ClinVar's aggregate classification.

Literature cited by the submitters: PubMed 33220177 (cited by Yale Center for Mendelian Genomics, Yale University).